The following is an entry in ClinVar:

ClinVar aggregate classification (germline): Likely pathogenic (1 of 4 stars; one submission).

Conditions:
Harel-Yoon syndrome (HAYOS). Also called: Optic atrophy-peripheral neuropathy-developmental delay syndrome. Identifiers: Orphanet 496790, MedGen C4310677, MONDO:0014958, OMIM 617183.
Pontocerebellar hypoplasia, hypotonia, and respiratory insufficiency syndrome, neonatal lethal. Also called: PHRINL SYNDROME. Identifiers: Orphanet 615954, MedGen C5394137, MONDO:0032931, OMIM 618810.

Submission:

New York Genome Center
Classification: Likely pathogenic for Harel-Yoon syndrome; Pontocerebellar hypoplasia, hypotonia, and respiratory insufficiency syndrome, neonatal lethal. Last evaluated: 2022-03-31. Review status: criteria provided, single submitter. Criteria: NYGC Assertion Criteria 2020. Collection method: clinical testing. Allele origin: inherited. Affected: yes. Observed: 1 compound heterozygote. Study: PrenatalSEQ.
Comment: The inherited ~65kb is an interlocus gene conversion resulting from genomic rearrangement between two DNA fragments located ~65kb apart: The “acceptor” sequence at chr1:1,515,844-1,516,039 located in intron1/exon2 of ADAD3A and the “donor” sequence at chr1:1,450,513-1450,709 located in exon1 of ATAD3C. Although the exact length of DNA fragments involved in this genomic rearrangement cannot be determined due to high sequence homology at this locus, it is likely that a <200bps DNA fragment in intron1/exon2 of ATAD3A was deleted and replaced with a similar sized fragment copied from exon1 of ATAD3C. Interlocus gene conversions have been reported in human inherited diseases [PMID:17846636], especially in paralogous gene pairs with high sequence homology, and has also been hypothesized in a patient with genomic rearrangement involving ATAD3A and ATAD3B [PMID:28549128]. Regardless of the underlying molecular mechanism, the available genetic data in this case shows that this inherited genomic rearrangement resulted in the deletion of 7 nucleotides from c.207 through c.213 of the ATAD3A gene and the insertion of 8 novel nucleotides at this position, which is predicted to result in a frameshift at amino acid 70 (of 586) and premature termination of the ATAD3A protein 28 amino acids downstream. This insertion-deletion variant is absent from population databases (gnomAD v2.1.1 and v3.1.2, TOPMed Freeze 8, All of Us) suggesting it is not a common benign variant in the populations represented in those databases. The insertion-deletion is predicted to cause loss of normal protein function either through protein truncation or nonsense-mediated mRNA decay. Based on the available evidence, the inherited genomic rearrangement resulting in c.207_213delinsCCATGTCA (p.Tyr70Hisfs*28) insertion-deletion in exon 2 of ATAD3A is reported here as Likely Pathogenic.

NM_001170535.3(ATAD3A):c.207_213delinsCCATGTCA (p.Tyr70fs)

Gene: ATAD3A (ATPase family AAA domain containing 3A; plus strand). Cytogenetic location: 1p36.33.
Variant type: Indel.
Coding change: c.207_213delinsCCATGTCA on transcript NM_001170535.3 (MANE Select); coding-DNA positions 207 to 213, TTATGCC replaced by CCATGTCA.
Protein change: p.Tyr70fs; shifts the reading frame from tyrosine 70.
Molecular consequence: frameshift variant. On other transcripts: 5 prime UTR variant (1).
Genome position (GRCh38, 1-based): chr1:1,516,013-1,516,019, TTATGCC replaced by CCATGTCA. VCF-style: chr1-1516013-TTATGCC-CCATGTCA. GRCh37 (hg19) VCF-style: chr1-1451393-TTATGCC-CCATGTCA.
Other names: c.-31_-25delinsCCATGTCA (NM_001170536.3); c.207_213delinsCCATGTCA, p.Tyr70fs (NM_018188.5); short protein forms Y70fs.
Identifiers: ClinVar variation 3235910 (VCV003235910.1), dbSNP rs2524128308, ClinGen allele CA2825000838.